The following is an entry in ClinVar:

NM_025179.4(PLXNA2):c.979A>C (p.Asn327His)

Gene: PLXNA2 (plexin A2; minus strand). Cytogenetic location: 1q32.2.
Variant type: single nucleotide variant.
Coding change: c.979A>C on transcript NM_025179.4 (MANE Select); coding-DNA position 979, A replaced by C.
Protein change: p.Asn327His; replaces asparagine 327 with histidine.
Molecular consequence: missense variant.
Genome position (GRCh38, 1-based): chr1:208,216,944, T>G on the plus strand (A>C on the coding strand, the complement: PLXNA2 is on the minus strand). VCF-style: chr1-208216944-T-G. GRCh37 (hg19) VCF-style: chr1-208390289-T-G.
Other names: short protein forms N327H.
Identifiers: ClinVar variation 4702761 (VCV004702761.1).
Genomic context (GRCh38, chr1:208,216,944, plus strand): 5'-GATACTGCTTCTGCCCTTTGGAGAAGATGGCAAAGAGTACATCGTCCTGGCTGGTGATAT[T>G]GAAGGCCTGGGCCAGTGAGTCCCCAGGCTTGGCCAGGTAAGCAGCCTGCAGGAGGCGGTA-3'
Protein context (NP_079455.3, residues 317-337): KPGDSLAQAF[Asn327His]ITSQDDVLFA

ClinVar aggregate classification (germline): Uncertain significance (1 of 4 stars; one submission).

gnomAD v4.1: 3 of 1,614,048 alleles (0.00019%); highest among the groups gnomAD compares: African/African-American, 0.004%; no homozygotes.

Submission:

Labcorp Genetics (formerly Invitae), Labcorp
Classification: Uncertain significance. Last evaluated: 2025-03-13. Review status: criteria provided, single submitter. Criteria: Invitae Variant Classification Sherloc (09022015). Collection method: clinical testing. Allele origin: germline.
Comment: This sequence change replaces asparagine, which is neutral and polar, with histidine, which is basic and polar, at codon 327 of the PLXNA2 protein (p.Asn327His). This variant is present in population databases (no rsID available, gnomAD 0.008%). This variant has not been reported in the literature in individuals affected with PLXNA2-related conditions. An algorithm developed to predict the effect of missense changes on protein structure and function (PolyPhen-2) suggests that this variant is likely to be tolerated. In summary, the available evidence is currently insufficient to determine the role of this variant in disease. Therefore, it has been classified as a Variant of Uncertain Significance.